The following is an entry in ClinVar:

NM_001430.5(EPAS1):c.1276G>A (p.Ala426Thr)

Gene: EPAS1 (endothelial PAS domain protein 1; plus strand). Cytogenetic location: 2p21.
Variant type: single nucleotide variant.
Coding change: c.1276G>A on transcript NM_001430.5 (MANE Select); coding-DNA position 1276, G replaced by A.
Protein change: p.Ala426Thr; replaces alanine 426 with threonine.
Molecular consequence: missense variant.
Genome position (GRCh38, 1-based): chr2:46,377,920, G>A. VCF-style: chr2-46377920-G-A. GRCh37 (hg19) VCF-style: chr2-46605059-G-A.
Other names: short protein forms A426T.
Identifiers: ClinVar variation 3221535 (VCV003221535.1), dbSNP rs2546473377, ClinGen allele CA346703658.

ClinVar aggregate classification (germline): Uncertain significance (1 of 4 stars; one submission).

Conditions:
Inborn genetic diseases. Identifiers: MedGen C0950123, MeSH D030342.

Submission:

Ambry Genetics
Classification: Uncertain significance for Inborn genetic diseases. Last evaluated: 2023-11-11. Review status: criteria provided, single submitter. Criteria: Ambry Variant Classification Scheme 2023. Collection method: clinical testing. Allele origin: germline.
Comment: The p.A426T variant (also known as c.1276G>A), located in coding exon 10 of the EPAS1 gene, results from a G to A substitution at nucleotide position 1276. The alanine at codon 426 is replaced by threonine, an amino acid with similar properties. This amino acid position is conserved. In addition, this alteration is predicted to be tolerated by in silico analysis. Since supporting evidence is limited at this time, the clinical significance of this alteration remains unclear.